The following is an entry in ClinVar:

ClinVar aggregate classification (germline): Benign/Likely benign. Review status: criteria provided, multiple submitters, no conflicts (2 of 4 stars). 4 submissions from 4 submitters: Benign (1); Likely benign (3). Last evaluated 2026-01-28.

Conditions:
Familial melanoma. Also called: Hereditary melanoma; Hereditary cutaneous melanoma. Identifiers: Orphanet 618, MedGen C1512419, MONDO:0018961.
Melanoma, cutaneous malignant, susceptibility to, 3. Also called: Cutaneous malignant melanoma 3. Identifiers: Orphanet 618, MedGen C1836892, MONDO:0012183, OMIM 609048.
Hereditary cancer-predisposing syndrome. Also called: Neoplastic Syndromes, Hereditary; Tumor predisposition; Hereditary Cancer Syndrome; Hereditary neoplastic syndrome. Identifiers: Orphanet 140162, MedGen C0027672, MeSH D009386, MONDO:0015356.

Allele frequency attached by ClinVar (database versions not stated): ExAC 0.00001; gnomAD 0.00003.
gnomAD v4.1: 15 of 1,613,934 alleles (0.00093%); highest among the groups gnomAD compares: Non-Finnish European, 0.0012%; no homozygotes.

Submissions (4):

Labcorp Genetics (formerly Invitae), Labcorp
Classification: Likely benign for Familial melanoma. Last evaluated: 2026-01-28. Review status: criteria provided, single submitter. Criteria: Invitae Variant Classification Sherloc (09022015). Collection method: clinical testing. Allele origin: germline.

Myriad Genetics, Inc.
Classification: Benign for Melanoma, cutaneous malignant, susceptibility to, 3. Last evaluated: 2024-09-26. Review status: criteria provided, single submitter. Criteria: Myriad Autosomal Dominant, Autosomal Recessive and X-Linked Classification Criteria (2023). Collection method: clinical testing. Allele origin: unknown.
Comment: This variant is considered benign. This variant is a silent/synonymous amino acid change and it is not expected to impact splicing.

Women's Health and Genetics/Laboratory Corporation of America, LabCorp
Classification: Likely benign. Last evaluated: 2023-06-17. Review status: criteria provided, single submitter. Criteria: LabCorp Variant Classification Summary - May 2015. Collection method: clinical testing. Allele origin: germline.

Ambry Genetics
Classification: Likely benign for Hereditary cancer-predisposing syndrome. Last evaluated: 2016-06-21. Review status: criteria provided, single submitter. Criteria: Ambry Variant Classification Scheme 2023. Collection method: clinical testing. Allele origin: germline.

NM_000075.4(CDK4):c.753C>G (p.Pro251=)

Genes: CDK4 (cyclin dependent kinase 4; minus strand), TSPAN31 (tetraspanin 31; plus strand). Cytogenetic location: 12q14.1.
Variant type: single nucleotide variant.
Coding change: c.753C>G on transcript NM_000075.4 (MANE Select); coding-DNA position 753, C replaced by G.
Protein change: p.Pro251=; no amino-acid change (proline 251 retained).
Molecular consequence: synonymous variant. On other transcripts: 3 prime UTR variant (3).
Genome position (GRCh38, 1-based): chr12:57,749,248, G>C on the plus strand (C>G on the coding strand, the complement: CDK4 is on the minus strand). VCF-style: chr12-57749248-G-C. GRCh37 (hg19) VCF-style: chr12-58143031-G-C.
Other names: c.*1958G>C (NM_001330168.2, NM_001330169.2, NM_005981.5).
Identifiers: ClinVar variation 483297 (VCV000483297.17), dbSNP rs757333818, ClinGen allele CA6657693.